The following is an entry in ClinVar:

NM_001127222.2(CACNA1A):c.4389-5T>C

Gene: CACNA1A (calcium voltage-gated channel subunit alpha1 A; minus strand). Cytogenetic location: 19p13.13.
Variant type: single nucleotide variant.
Coding change: c.4389-5T>C on transcript NM_001127222.2 (MANE Select); 5 bases into the intron before coding-DNA position 4389, T replaced by C.
Molecular consequence: intron variant.
Genome position (GRCh38, 1-based): chr19:13,257,556, A>G on the plus strand (T>C on the coding strand, the complement: CACNA1A is on the minus strand). VCF-style: chr19-13257556-A-G. GRCh37 (hg19) VCF-style: chr19-13368370-A-G.
Other names: c.4392-5T>C (NM_001127221.2, NM_001174080.2); c.4401-5T>C (NM_000068.4, NM_023035.3).
Identifiers: ClinVar variation 754560 (VCV000754560.11), dbSNP rs896214992, ClinGen allele CA305537447.

ClinVar aggregate classification (germline): Conflicting classifications of pathogenicity. Review status: criteria provided, conflicting classifications (1 of 4 stars). 2 submissions from 2 submitters: Uncertain significance (1); Likely benign (1). Last evaluated 2024-10-13.

Conditions:
Episodic ataxia type 2 (EA2). Also called: ATAXIA, EPISODIC, WITH NYSTAGMUS; ATAXIA, FAMILIAL PAROXYSMAL; CEREBELLAR ATAXIA, PAROXYSMAL, ACETAZOLAMIDE-RESPONSIVE; CEREBELLOPATHY, HEREDITARY PAROXYSMAL; EPISODIC ATAXIA, NYSTAGMUS-ASSOCIATED; ACETAZOLAMIDE-RESPONSIVE HEREDITARY PAROXYSMAL CEREBELLAR ATAXIA. Identifiers: Orphanet 97, MedGen C1720416, MONDO:0007163, OMIM 108500.
Developmental and epileptic encephalopathy, 42 (DEE42A). Also called: Epileptic encephalopathy, early infantile, 42; DEVELOPMENTAL AND EPILEPTIC ENCEPHALOPATHY 42A; EPILEPTIC ENCEPHALOPATHY, EARLY INFANTILE, 42A. Identifiers: MedGen C4310716, MONDO:0014917, OMIM 617106.
Inborn genetic diseases. Identifiers: MedGen C0950123, MeSH D030342.

Allele frequency attached by ClinVar (database versions not stated): TOPMed below 0.00001; gnomAD 0.00001; gnomAD exomes below 0.00001.
gnomAD v4.1: 4 of 1,566,632 alleles (0.00026%); highest among the groups gnomAD compares: Admixed American, 0.0019%; no homozygotes.

Submissions (2):

Labcorp Genetics (formerly Invitae), Labcorp
Classification: Likely benign for Developmental and epileptic encephalopathy, 42; Episodic ataxia type 2. Last evaluated: 2024-10-13. Review status: criteria provided, single submitter. Criteria: Invitae Variant Classification Sherloc (09022015). Collection method: clinical testing. Allele origin: germline.

Ambry Genetics
Classification: Uncertain significance for Inborn genetic diseases. Last evaluated: 2018-10-21. Review status: criteria provided, single submitter. Criteria: Ambry Variant Classification Scheme 2023. Collection method: clinical testing. Allele origin: germline.
Comment: The c.4392-5T>C intronic variant results from a T to C substitution 5 nucleotides upstream from coding exon 28 in the CACNA1A gene. This nucleotide position is poorly conserved in available vertebrate species. Using the BDGP and ESEfinder splice site prediction tools, this alteration is not predicted to have any significant effect on this splice acceptor site; however, direct evidence is unavailable. Since supporting evidence is limited at this time, the clinical significance of this alteration remains unclear.